The following is an entry in ClinVar:

ClinVar aggregate classification (germline): Uncertain significance (1 of 4 stars; one submission).

Allele frequency attached by ClinVar (database versions not stated): gnomAD 0.00003; TOPMed 0.00003; gnomAD exomes 0.00006; ExAC 0.00007; ESP Exome Variant Server 0.00015; 1000 Genomes Project 30x 0.00016; 1000 Genomes Project 0.00020.
gnomAD v4.1: 43 of 1,614,026 alleles (0.0027%); highest among the groups gnomAD compares: Admixed American, 0.01%; no homozygotes.

Submission:

Women's Health and Genetics/Laboratory Corporation of America, LabCorp
Classification: Uncertain significance. Last evaluated: 2023-11-16. Review status: criteria provided, single submitter. Criteria: LabCorp Variant Classification Summary - May 2015. Collection method: clinical testing. Allele origin: germline.
Comment: Variant summary: VPS13C c.3709T>G (p.Phe1237Val) results in a non-conservative amino acid change located in a middle RBG module domain (IPR031642) of the encoded protein sequence. Four of five in-silico tools predict a damaging effect of the variant on protein function. The variant allele was found at a frequency of 6.8e-05 in 251056 control chromosomes (gnomAD). The available data on variant occurrences in the general population are insufficient to allow any conclusion about variant significance. To our knowledge, no occurrence of c.3709T>G in individuals affected with Parkinson Disease 23, Autosomal Recessive Early-Onset and no experimental evidence demonstrating its impact on protein function have been reported. No submitters have reported clinical-significance assessments for this variant to ClinVar after 2014. Based on the evidence outlined above, the variant was classified as uncertain significance.

NM_020821.3(VPS13C):c.3709T>G (p.Phe1237Val)

Gene: VPS13C (vacuolar protein sorting 13 homolog C; minus strand). Cytogenetic location: 15q22.2.
Variant type: single nucleotide variant.
Coding change: c.3709T>G on transcript NM_020821.3 (MANE Select); coding-DNA position 3709, T replaced by G.
Protein change: p.Phe1237Val; replaces phenylalanine 1237 with valine.
Molecular consequence: missense variant.
Genome position (GRCh38, 1-based): chr15:61,961,788, A>C on the plus strand (T>G on the coding strand, the complement: VPS13C is on the minus strand). VCF-style: chr15-61961788-A-C. GRCh37 (hg19) VCF-style: chr15-62253987-A-C.
Other names: c.3709T>G, p.Phe1237Val (NM_001018088.3); c.3580T>G, p.Phe1194Val (NM_017684.5, NM_018080.4); short protein forms F1194V, F1237V.
Identifiers: ClinVar variation 2682587 (VCV002682587.1), dbSNP rs140792170, ClinGen allele CA7596304.
Genomic context (GRCh38, chr15:61,961,788, plus strand): 5'-TAGAAGACTGTGGGATGACTATAACCGGTGCTTTCAAATCAATATTGATGGAAACACGAA[A>C]ACTCCTCTGGGCAAGATCTTTCACACTTGTGGCAGCCCTTTCTGCAGCCTGGGCAGTGGC-3'
Protein context (NP_065872.1, residues 1227-1247): TSVKDLAQRS[Phe1237Val]RVSINIDLKA